The following is an entry in ClinVar:

ClinVar aggregate classification (germline): Uncertain significance (1 of 4 stars; one submission).

Conditions:
PHGDH deficiency. Identifiers: Orphanet 79351, MedGen C1866174, MONDO:0011152, OMIM 601815.

Allele frequency attached by ClinVar (database versions not stated): ExAC 0.00001.
gnomAD v4.1: 4 of 1,603,884 alleles (0.00025%); highest among the groups gnomAD compares: South Asian, 0.0011%; no homozygotes.

Submission:

Labcorp Genetics (formerly Invitae), Labcorp
Classification: Uncertain significance for PHGDH deficiency. Last evaluated: 2022-10-24. Review status: criteria provided, single submitter. Criteria: Invitae Variant Classification Sherloc (09022015). Collection method: clinical testing. Allele origin: germline.
Comment: This sequence change replaces methionine, which is neutral and non-polar, with valine, which is neutral and non-polar, at codon 481 of the PHGDH protein (p.Met481Val). This variant is present in population databases (rs766039819, gnomAD 0.003%). This variant has not been reported in the literature in individuals affected with PHGDH-related conditions. Algorithms developed to predict the effect of missense changes on protein structure and function output the following: SIFT: "Tolerated"; PolyPhen-2: "Benign"; Align-GVGD: "Class C0". The valine amino acid residue is found in multiple mammalian species, which suggests that this missense change does not adversely affect protein function. In summary, the available evidence is currently insufficient to determine the role of this variant in disease. Therefore, it has been classified as a Variant of Uncertain Significance.

NM_006623.4(PHGDH):c.1441A>G (p.Met481Val)

Gene: PHGDH (phosphoglycerate dehydrogenase; plus strand). Cytogenetic location: 1p12.
Variant type: single nucleotide variant.
Coding change: c.1441A>G on transcript NM_006623.4 (MANE Select); coding-DNA position 1441, A replaced by G.
Protein change: p.Met481Val; replaces methionine 481 with valine.
Molecular consequence: missense variant.
Genome position (GRCh38, 1-based): chr1:119,743,038, A>G. VCF-style: chr1-119743038-A-G. GRCh37 (hg19) VCF-style: chr1-120285661-A-G.
Other names: short protein forms M481V.
Identifiers: ClinVar variation 2419740 (VCV002419740.3), dbSNP rs766039819, ClinGen allele CA1037453.